The following is an entry in ClinVar:

ClinVar aggregate classification (germline): Uncertain significance (1 of 4 stars; one submission).

Allele frequency attached by ClinVar (database versions not stated): gnomAD 0.00001; ESP Exome Variant Server 0.00008.
gnomAD v4.1: 23 of 1,607,822 alleles (0.0014%); highest among the groups gnomAD compares: Non-Finnish European, 0.0019%; no homozygotes.

Submission:

GeneDx
Classification: Uncertain significance. Last evaluated: 2021-08-31. Review status: criteria provided, single submitter. Criteria: GeneDx Variant Classification Process June 2021. Collection method: clinical testing. Allele origin: germline. Affected: yes.
Comment: Not observed at significant frequency in large population cohorts (gnomAD); In silico analysis supports that this missense variant does not alter protein structure/function; Has not been previously published as pathogenic or benign to our knowledge; This variant is associated with the following publications: (PMID: 27535533)

NM_001162501.2(TNRC6B):c.4418A>G (p.Asn1473Ser)

Gene: TNRC6B (trinucleotide repeat containing adaptor 6B; plus strand). Cytogenetic location: 22q13.1.
Variant type: single nucleotide variant.
Coding change: c.4418A>G on transcript NM_001162501.2 (MANE Select); coding-DNA position 4418, A replaced by G.
Protein change: p.Asn1473Ser; replaces asparagine 1473 with serine.
Molecular consequence: missense variant.
Genome position (GRCh38, 1-based): chr22:40,310,976, A>G. VCF-style: chr22-40310976-A-G. GRCh37 (hg19) VCF-style: chr22-40706980-A-G.
Other names: c.2006A>G, p.Asn669Ser (NM_001024843.2); c.4088A>G, p.Asn1363Ser (NM_015088.3); short protein forms N1363S, N1473S, N669S.
Identifiers: ClinVar variation 1342830 (VCV001342830.2), dbSNP rs368534908, ClinGen allele CA324446498.
Genomic context (GRCh38, chr22:40,310,976, plus strand): 5'-GTGATAGCTGGTTACCTGCCAAATCTCCACCAACAAATAAAATCGGAAGTAAATCCAGCA[A>G]TGCCAGTTGGCCTCCAGGTATTGTCTAGGAAATGCTTTTCCCAGGATAGCATTTGTTTTG-3'
Protein context (NP_001155973.1, residues 1463-1483): PTNKIGSKSS[Asn1473Ser]ASWPPEFQPG